The following is an entry in ClinVar:

NM_025114.4(CEP290):c.1624-5T>C

Gene: CEP290 (centrosomal protein 290; minus strand). Cytogenetic location: 12q21.32.
Variant type: single nucleotide variant.
Coding change: c.1624-5T>C on transcript NM_025114.4 (MANE Select); 5 bases into the intron before coding-DNA position 1624, T replaced by C.
Molecular consequence: intron variant.
Genome position (GRCh38, 1-based): chr12:88,118,575, A>G on the plus strand (T>C on the coding strand, the complement: CEP290 is on the minus strand). VCF-style: chr12-88118575-A-G. GRCh37 (hg19) VCF-style: chr12-88512352-A-G.
Other names: p.?.
Identifiers: ClinVar variation 136727 (VCV000136727.25), dbSNP rs142742071, ClinGen allele CA290037.

ClinVar aggregate classification (germline): Benign. Review status: reviewed by expert panel (3 of 4 stars). 15 submissions from 11 submitters: Benign (1). 14 of the submissions do not count toward it. Last evaluated 2026-07-20.

Conditions:
Kidney disorder. Also called: renal disease; Kidney disease; Kidney Diseases; Nephropathy; renal disorder. Identifiers: MedGen C0022658, MONDO:0005240, HP:0000112.
CEP290-related ciliopathy. Also called: CEP290 ciliopathy. Identifiers: MedGen CN305601, MONDO:0100451.
Meckel-Gruber syndrome. Also called: Dysencephalia splachnocystica; DYSENCEPHALIA SPLANCHNOCYSTICA; GRUBER SYNDROME. Identifiers: Orphanet 564, MedGen C0265215, MONDO:0018921.
Joubert syndrome. Also called: Familial aplasia of the vermis; JOUBERT-BOLTSHAUSER SYNDROME. Identifiers: Orphanet 475, MedGen C5979921, MONDO:0018772.
Nephronophthisis. Also called: Juvenile Nephronophthisis. Identifiers: Orphanet 655, MedGen C0687120, MONDO:0019005, HP:0000090.
Bardet-Biedl syndrome 14 (BBS14). Identifiers: Orphanet 110, MedGen C2673874, MONDO:0014442, OMIM 615991.
Meckel syndrome, type 4 (MKS4). Also called: MECKEL-GRUBER SYNDROME, TYPE 4. Identifiers: Orphanet 564, MedGen C1970161, MONDO:0012626, OMIM 611134.
Joubert syndrome 5 (JBTS5). Identifiers: Orphanet 2318, MedGen C1857780, MONDO:0012432, OMIM 610188.
Senior-Loken syndrome 6 (SLSN6). Identifiers: Orphanet 3156, MedGen C1857779, MONDO:0012433, OMIM 610189.
Leber congenital amaurosis 10 (LCA10). Identifiers: Orphanet 65, MedGen C1857821, MONDO:0012723, OMIM 611755.
Leber congenital amaurosis (LCA). Also called: Leber's amaurosis. Identifiers: Orphanet 65, MedGen C0339527, MeSH D057130, MONDO:0018998.

Allele frequency attached by ClinVar (database versions not stated): ESP Exome Variant Server 0.00658; 1000 Genomes Project 0.00899; TOPMed 0.00746; gnomAD 0.00704; 1000 Genomes Project 30x 0.00953.
gnomAD v4.1: 2,034 of 1,605,634 alleles (0.13%); highest among the groups gnomAD compares: African/African-American, 2.4%; 30 homozygotes.

Submissions (15):

ClinGen Leber Congenital Amaurosis/early Onset Retinal Dystrophy Variant Curation Expert Panel, ClinGen
Classification: Benign for CEP290-related ciliopathy. Last evaluated: 2026-07-20. Review status: reviewed by expert panel. Criteria: ClinGen LCAeoRD ACMG Specifications CEP290 V1.0.0. Collection method: curation. Allele origin: germline. Inheritance: Autosomal recessive inheritance.
Comment: NM_025114.4(CEP290):c.1624-5T>C is a variant in intron 16 that is not predicted to disrupt splicing, but is located within the splice acceptor region between -1 and -21, so BP7 is not met. The splicing impact predictor SpliceAI gives a delta score of 0.08 for donor gain, which is below the ClinGen LCA / eoRD VCEP recommended threshold of <0.1 and does not predict an impact on splicing (BP4). This variant is present in gnomAD v4.1.1 at a Grpmax allele frequency of 0.02328865, with 2,034 alleles / 1,605,634 total alleles in the African/African-American population, which is higher than the ClinGen LCA/eoRD VCEP BA1 threshold of >0.0016 (BA1). This variant has been found in the homozygous state in 30 adult individuals in gnomAD which exceeds the LCA/eoRD VCEP threshold of ≥6 (gnomAD version 4.1.1; BS2). In summary, this variant meets the criteria to be classified as Benign for CEP290-related ciliopathy based on the ACMG/AMP criteria applied, as specified by the ClinGen LCA/eoRD VCEP: BA1, BS2, and BP4.(LCA/eoRD VCEP Specifications for CEP290 Version 1.0.0)

Labcorp Genetics (formerly Invitae), Labcorp
Classification: Benign for Joubert syndrome; Meckel-Gruber syndrome; Nephronophthisis. Last evaluated: 2026-02-02. Review status: criteria provided, single submitter. Criteria: Invitae Variant Classification Sherloc (09022015). Collection method: clinical testing. Allele origin: germline. Not counted in ClinVar's aggregate classification.

Mayo Clinic Laboratories, Mayo Clinic
Classification: Likely benign. Last evaluated: 2024-12-27. Review status: criteria provided, single submitter. Criteria: ACMG Guidelines, 2015. Collection method: clinical testing. Allele origin: germline. Observed: 1 variant allele. Not counted in ClinVar's aggregate classification.
Comment: BS1, BS2, BP4, BP7

Fulgent Genetics
Classification: Likely benign for Joubert syndrome 5; Senior-Loken syndrome 6; Meckel syndrome, type 4; Leber congenital amaurosis 10; Bardet-Biedl syndrome 14. Last evaluated: 2021-07-21. Review status: criteria provided, single submitter. Criteria: ACMG Guidelines, 2015. Collection method: clinical testing. Allele origin: unknown. Not counted in ClinVar's aggregate classification.

Genome Diagnostics Laboratory, The Hospital for Sick Children
Classification: Uncertain significance for Kidney disorder. Last evaluated: 2018-06-01. Review status: criteria provided, single submitter. Criteria: ACMG Guidelines, 2015. Collection method: clinical testing. Allele origin: germline. Not counted in ClinVar's aggregate classification.

Illumina Laboratory Services, Illumina
Classification: Benign for Senior-Loken syndrome 6. Last evaluated: 2018-01-13. Review status: criteria provided, single submitter. Criteria: ICSL Variant Classification Criteria 13 December 2019. Collection method: clinical testing. Allele origin: germline. Not counted in ClinVar's aggregate classification.
Comment: This variant was observed in the ICSL laboratory as part of a predisposition screen in an ostensibly healthy population. It had not been previously curated by ICSL or reported in the Human Gene Mutation Database (HGMD: prior to June 1st, 2018), and was therefore a candidate for classification through an automated scoring system. Utilizing variant allele frequency, disease prevalence and penetrance estimates, and inheritance mode, an automated score was calculated to assess if this variant is too frequent to cause the disease. Based on the score and internal cut-off values, a variant classified as benign is not then subjected to further curation. The score for this variant resulted in a classification of benign for this disease.

Illumina Laboratory Services, Illumina
Classification: Likely benign for Leber congenital amaurosis 10. Last evaluated: 2018-01-13. Review status: criteria provided, single submitter. Criteria: ICSL Variant Classification Criteria 13 December 2019. Collection method: clinical testing. Allele origin: germline. Not counted in ClinVar's aggregate classification.
Comment: This variant was observed in the ICSL laboratory as part of a predisposition screen in an ostensibly healthy population. It had not been previously curated by ICSL or reported in the Human Gene Mutation Database (HGMD: prior to June 1st, 2018), and was therefore a candidate for classification through an automated scoring system. Utilizing variant allele frequency, disease prevalence and penetrance estimates, and inheritance mode, an automated score was calculated to assess if this variant is too frequent to cause the disease. Based on the score and internal cut-off values, a variant classified as likely benign is not then subjected to further curation. The score for this variant resulted in a classification of likely benign for this disease.

Illumina Laboratory Services, Illumina
Classification: Benign for Joubert syndrome 5. Last evaluated: 2018-01-13. Review status: criteria provided, single submitter. Criteria: ICSL Variant Classification Criteria 13 December 2019. Collection method: clinical testing. Allele origin: germline. Not counted in ClinVar's aggregate classification.
Comment: the same text as in the submission from Illumina Laboratory Services, Illumina above.

Illumina Laboratory Services, Illumina
Classification: Benign for Bardet-Biedl syndrome 14. Last evaluated: 2018-01-13. Review status: criteria provided, single submitter. Criteria: ICSL Variant Classification Criteria 13 December 2019. Collection method: clinical testing. Allele origin: germline. Not counted in ClinVar's aggregate classification.
Comment: the same text as in the submission from Illumina Laboratory Services, Illumina above.

Illumina Laboratory Services, Illumina
Classification: Likely benign for Meckel syndrome, type 4. Last evaluated: 2018-01-13. Review status: criteria provided, single submitter. Criteria: ICSL Variant Classification Criteria 13 December 2019. Collection method: clinical testing. Allele origin: germline. Not counted in ClinVar's aggregate classification.
Comment: the same text as in the submission from Illumina Laboratory Services, Illumina above.

GeneDx
Classification: Benign. Last evaluated: 2014-03-21. Review status: criteria provided, single submitter. Criteria: GeneDx Variant Classification (06012015). Collection method: clinical testing. Allele origin: germline. Affected: yes. Not counted in ClinVar's aggregate classification.
Comment: This variant is considered likely benign or benign based on one or more of the following criteria: it is a conservative change, it occurs at a poorly conserved position in the protein, it is predicted to be benign by multiple in silico algorithms, and/or has population frequency not consistent with disease.

PreventionGenetics, part of Exact Sciences
Classification: Benign. Review status: criteria provided, single submitter. Criteria: ACMG Guidelines, 2015. Collection method: clinical testing. Allele origin: germline. Not counted in ClinVar's aggregate classification.

Natera, Inc.
Classification: Benign for Leber congenital amaurosis. Last evaluated: 2020-09-16. Review status: no assertion criteria provided. Collection method: clinical testing. Allele origin: germline. Not counted in ClinVar's aggregate classification.

Clinical Genetics, Academic Medical Center
Classification: Benign. Review status: no assertion criteria provided. Collection method: clinical testing. Allele origin: germline. Affected: yes. Study: VKGL Data-share Consensus. Not counted in ClinVar's aggregate classification.

Genome Diagnostics Laboratory, University Medical Center Utrecht
Classification: Benign. Review status: no assertion criteria provided. Collection method: clinical testing. Allele origin: germline. Affected: yes. Study: VKGL Data-share Consensus. Not counted in ClinVar's aggregate classification.